The following is an entry in ClinVar:

ClinVar aggregate classification (germline): Uncertain significance (1 of 4 stars; one submission).

gnomAD v4.1: 10 of 1,613,974 alleles (0.00062%); highest among the groups gnomAD compares: East Asian, 0.0022%; no homozygotes.

Submission:

Labcorp Genetics (formerly Invitae), Labcorp
Classification: Uncertain significance. Last evaluated: 2024-12-15. Review status: criteria provided, single submitter. Criteria: Invitae Variant Classification Sherloc (09022015). Collection method: clinical testing. Allele origin: germline.
Comment: This sequence change replaces glutamic acid, which is acidic and polar, with lysine, which is basic and polar, at codon 501 of the JAK1 protein (p.Glu501Lys). This variant is present in population databases (rs776347560, gnomAD 0.004%). This variant has not been reported in the literature in individuals affected with JAK1-related conditions. An algorithm developed to predict the effect of missense changes on protein structure and function (PolyPhen-2) suggests that this variant is likely to be disruptive. In summary, the available evidence is currently insufficient to determine the role of this variant in disease. Therefore, it has been classified as a Variant of Uncertain Significance.

NM_002227.4(JAK1):c.1501G>A (p.Glu501Lys)

Gene: JAK1 (Janus kinase 1; minus strand). Cytogenetic location: 1p31.3.
Variant type: single nucleotide variant.
Coding change: c.1501G>A on transcript NM_002227.4 (MANE Select); coding-DNA position 1501, G replaced by A.
Protein change: p.Glu501Lys; replaces glutamic acid 501 with lysine.
Molecular consequence: missense variant.
Genome position (GRCh38, 1-based): chr1:64,855,656, C>T on the plus strand (G>A on the coding strand, the complement: JAK1 is on the minus strand). VCF-style: chr1-64855656-C-T. GRCh37 (hg19) VCF-style: chr1-65321339-C-T.
Other names: c.1501G>A, p.Glu501Lys (NM_001320923.2, NM_001321852.2, NM_001321853.2 and 3 more transcripts); c.1498G>A, p.Glu500Lys (NM_001321857.2); short protein forms E500K, E501K.
Identifiers: ClinVar variation 3615987 (VCV003615987.2).